The following is an entry in ClinVar:

NM_203446.3(SYNJ1):c.3764C>T (p.Pro1255Leu)

Gene: SYNJ1 (synaptojanin 1; minus strand). Cytogenetic location: 21q22.11.
Variant type: single nucleotide variant.
Coding change: c.3764C>T on transcript NM_203446.3 (MANE Select); coding-DNA position 3764, C replaced by T.
Protein change: p.Pro1255Leu; replaces proline 1255 with leucine.
Molecular consequence: missense variant.
Genome position (GRCh38, 1-based): chr21:32,639,059, G>A on the plus strand (C>T on the coding strand, the complement: SYNJ1 is on the minus strand). VCF-style: chr21-32639059-G-A. GRCh37 (hg19) VCF-style: chr21-34011369-G-A.
Other names: c.3716C>T, p.Pro1239Leu (NM_001160302.2); c.3623C>T, p.Pro1208Leu (NM_001160306.2); c.3881C>T, p.Pro1294Leu (NM_003895.4); short protein forms P1294L, P1208L, P1255L, P1239L.
Identifiers: ClinVar variation 941115 (VCV000941115.6), dbSNP rs141785091, ClinGen allele CA10003256.

ClinVar aggregate classification (germline): Uncertain significance. Review status: criteria provided, multiple submitters, no conflicts (2 of 4 stars). 2 submissions from 2 submitters: Uncertain significance (2). Last evaluated 2025-09-23.

Conditions:
Early-onset Parkinson disease 20. Also called: PARKINSON DISEASE 20, AUTOSOMAL RECESSIVE EARLY-ONSET. Identifiers: Orphanet 391411, MedGen C3809824, MONDO:0014233, OMIM 615530.
Developmental and epileptic encephalopathy, 53. Also called: Epileptic encephalopathy, early infantile, 53. Identifiers: MedGen C4479313, MONDO:0033362, OMIM 617389.

Allele frequency attached by ClinVar (database versions not stated): TOPMed 0.00004; gnomAD 0.00006 and 0.00007; ESP Exome Variant Server 0.00015.
gnomAD v4.1: 109 of 1,613,956 alleles (0.0068%); highest among the groups gnomAD compares: Admixed American, 0.018%; no homozygotes.

Submissions (2):

Labcorp Genetics (formerly Invitae), Labcorp
Classification: Uncertain significance for Developmental and epileptic encephalopathy, 53; Early-onset Parkinson disease 20. Last evaluated: 2025-09-23. Review status: criteria provided, single submitter. Criteria: Invitae Variant Classification Sherloc (09022015). Collection method: clinical testing. Allele origin: germline.
Comment: This sequence change replaces proline, which is neutral and non-polar, with leucine, which is neutral and non-polar, at codon 1294 of the SYNJ1 protein (p.Pro1294Leu). This variant is present in population databases (rs141785091, gnomAD 0.02%). This missense change has been observed in individual(s) with Parkinson disease (PMID: 35861376). ClinVar contains an entry for this variant (Variation ID: 941115). Invitae Evidence Modeling of protein sequence and biophysical properties (such as structural, functional, and spatial information, amino acid conservation, physicochemical variation, residue mobility, and thermodynamic stability) indicates that this missense variant is not expected to disrupt SYNJ1 protein function with a negative predictive value of 80%. In summary, the available evidence is currently insufficient to determine the role of this variant in disease. Therefore, it has been classified as a Variant of Uncertain Significance.

Blueprint Genetics
Classification: Uncertain significance. Last evaluated: 2023-09-01. Review status: criteria provided, single submitter. Criteria: ACMG Guidelines, 2015. Collection method: clinical testing. Allele origin: germline.

Literature cited by the submitters: PubMed 35861376 (cited by Labcorp Genetics (formerly Invitae), Labcorp).